The following is an entry in ClinVar:

ClinVar aggregate classification (germline): Uncertain significance. Review status: criteria provided, multiple submitters, no conflicts (2 of 4 stars). 2 submissions from 2 submitters: Uncertain significance (2). Last evaluated 2024-08-27.

Conditions:
Inborn genetic diseases. Identifiers: MedGen C0950123, MeSH D030342.

Allele frequency attached by ClinVar (database versions not stated): TOPMed 0.00002; gnomAD 0.00001; ExAC 0.00004; gnomAD exomes 0.00005; ESP Exome Variant Server 0.00008.
gnomAD v4.1: 66 of 1,614,056 alleles (0.0041%); highest among the groups gnomAD compares: Middle Eastern, 0.049%; no homozygotes.

Submissions (2):

Ambry Genetics
Classification: Uncertain significance for Inborn genetic diseases. Last evaluated: 2024-08-27. Review status: criteria provided, single submitter. Criteria: Ambry Variant Classification Scheme 2023. Collection method: clinical testing. Allele origin: germline.

GeneDx
Classification: Uncertain significance. Last evaluated: 2019-04-12. Review status: criteria provided, single submitter. Criteria: GeneDx Variant Classification Process June 2021. Collection method: clinical testing. Allele origin: germline. Affected: yes.
Comment: In silico analysis, which includes protein predictors and evolutionary conservation, supports a deleterious effect; Has not been previously published as pathogenic or benign to our knowledge

NM_017668.3(NDE1):c.101A>G (p.Glu34Gly)

Gene: NDE1 (nudE neurodevelopment protein 1; plus strand). Cytogenetic location: 16p13.11.
Variant type: single nucleotide variant.
Coding change: c.101A>G on transcript NM_017668.3 (MANE Select); coding-DNA position 101, A replaced by G.
Protein change: p.Glu34Gly; replaces glutamic acid 34 with glycine.
Molecular consequence: missense variant.
Genome position (GRCh38, 1-based): chr16:15,667,303, A>G. VCF-style: chr16-15667303-A-G. GRCh37 (hg19) VCF-style: chr16-15761160-A-G.
Other names: c.101A>G, p.Glu34Gly (NM_001143979.2); short protein forms E34G.
Identifiers: ClinVar variation 1305065 (VCV001305065.5), dbSNP rs140813713, ClinGen allele CA7920501.
Genomic context (GRCh38, chr16:15,667,303, plus strand): 5'-CTTCAAAAATATTACTACGTGATGATTAACAATTTTGCTGTAGGGCAGAAAATACGCAAG[A>G]GGAACTCCGAGAATTCCAGGAGGGAAGCCGAGAATATGAAGCTGAATTGGAGACGCAGCT-3'
Protein context (NP_060138.1, residues 24-44): TYKQRAENTQ[Glu34Gly]ELREFQEGSR